The following is an entry in ClinVar:

NM_138927.4(SON):c.7090A>G (p.Met2364Val)

Gene: SON (SON DNA and RNA binding protein; plus strand). Cytogenetic location: 21q22.11.
Variant type: single nucleotide variant.
Coding change: c.7090A>G on transcript NM_138927.4 (MANE Select); coding-DNA position 7090, A replaced by G.
Protein change: p.Met2364Val; replaces methionine 2364 with valine.
Molecular consequence: missense variant. On other transcripts: non-coding transcript variant (1).
Genome position (GRCh38, 1-based): chr21:33,575,652, A>G. VCF-style: chr21-33575652-A-G. GRCh37 (hg19) VCF-style: chr21-34947958-A-G.
Other names: c.1174A>G, p.Met392Val (NM_001291412.3); short protein forms M2364V, M392V.
Identifiers: ClinVar variation 1049138 (VCV001049138.1), dbSNP rs765377794, ClinGen allele CA10010165.

ClinVar aggregate classification (germline): Uncertain significance (0 of 4 stars; one submission).

Allele frequency attached by ClinVar (database versions not stated): ExAC 0.00001; gnomAD exomes 0.00001; TOPMed 0.00001; gnomAD 0.00002.
gnomAD v4.1: 16 of 1,613,238 alleles (0.00099%); highest among the groups gnomAD compares: African/African-American, 0.0013%; no homozygotes.

Submission:

Department of Pathology and Laboratory Medicine, Sinai Health System
Classification: Uncertain significance. Review status: no assertion criteria provided. Collection method: clinical testing. Allele origin: unknown. Affected: yes. Study: The Canadian Open Genetics Repository (COGR).
Comment: The SON p.Met392Val variant was not identified in the literature nor was it identified in ClinVar or LOVD 3.0. The variant was identified in dbSNP (ID: rs765377794) and in control databases in 2 of 251020 chromosomes at a frequency of 0.000007967 (Genome Aggregation Database March 6, 2019, v2.1.1). The variant was observed in the following populations: European (Finnish) in 1 of 21638 chromosomes (freq: 0.000046) and European (non-Finnish) in 1 of 113620 chromosomes (freq: 0.000009), but was not observed in the African, Latino, Ashkenazi Jewish, East Asian, Other, or South Asian populations. The p.Met392 residue is conserved in mammals but not in more distantly related organisms however four out of five computational analyses (PolyPhen-2, SIFT, AlignGVGD, BLOSUM, MutationTaster) do not suggest a high likelihood of impact to the protein; this information is not predictive enough to rule out pathogenicity. The variant occurs outside of the splicing consensus sequence and two of four in silico or computational prediction software programs (SpliceSiteFinder, MaxEntScan, NNSPLICE, GeneSplicer) predict a greater than 10% difference in splicing; this is not very predictive of pathogenicity. In summary, based on the above information the clinical significance of this variant cannot be determined with certainty at this time. This variant is classified as a variant of uncertain significance.